The following is an entry in ClinVar:

NM_001077350.3(NPRL3):c.1553A>G (p.His518Arg)

Gene: NPRL3 (NPR3 like, GATOR1 complex subunit; minus strand). Cytogenetic location: 16p13.3.
Variant type: single nucleotide variant.
Coding change: c.1553A>G on transcript NM_001077350.3 (MANE Select); coding-DNA position 1553, A replaced by G.
Protein change: p.His518Arg; replaces histidine 518 with arginine.
Molecular consequence: missense variant.
Genome position (GRCh38, 1-based): chr16:86,862, T>C on the plus strand (A>G on the coding strand, the complement: NPRL3 is on the minus strand). VCF-style: chr16-86862-T-C. GRCh37 (hg19) VCF-style: chr16-136861-T-C.
Other names: c.1016A>G, p.His339Arg (NM_001039476.3); c.1319A>G, p.His440Arg (NM_001243247.2); c.1478A>G, p.His493Arg (NM_001243248.2, NM_001243249.2); short protein forms H339R, H440R, H493R, H518R.
Identifiers: ClinVar variation 3373202 (VCV003373202.1).

ClinVar aggregate classification (germline): Uncertain significance (1 of 4 stars; one submission).

gnomAD v4.1: 1 of 1,612,788 alleles (0.000062%); highest among the groups gnomAD compares: Non-Finnish European, 0.000085%; no homozygotes.

Submission:

GeneDx
Classification: Uncertain significance. Last evaluated: 2024-05-02. Review status: criteria provided, single submitter. Criteria: GeneDx Variant Classification Process June 2021. Collection method: clinical testing. Allele origin: germline. Affected: yes.
Comment: Not observed at significant frequency in large population cohorts (gnomAD); In silico analysis indicates that this missense variant does not alter protein structure/function; Has not been previously published as pathogenic or benign to our knowledge